The following is an entry in ClinVar:

ClinVar aggregate classification (germline): Uncertain significance. Review status: criteria provided, multiple submitters, no conflicts (2 of 4 stars). 2 submissions from 2 submitters: Uncertain significance (2). Last evaluated 2025-12-20.

Conditions:
Tuberous sclerosis 2 (TSC2). Identifiers: Orphanet 805, MedGen C1860707, MONDO:0013199, OMIM 613254.
Tuberous sclerosis syndrome (TSC). Also called: Tuberous Sclerosis Complex; Tuberous sclerosis. Identifiers: Orphanet 805, MedGen C0041341, MONDO:0001734.

gnomAD v4.1: 2 of 1,613,960 alleles (0.00012%); highest among the groups gnomAD compares: Admixed American, 0.0017%; no homozygotes.

Submissions (2):

Labcorp Genetics (formerly Invitae), Labcorp
Classification: Uncertain significance for Tuberous sclerosis 2. Last evaluated: 2025-12-20. Review status: criteria provided, single submitter. Criteria: Invitae Variant Classification Sherloc (09022015). Collection method: clinical testing. Allele origin: germline.
Comment: This sequence change replaces isoleucine, which is neutral and non-polar, with methionine, which is neutral and non-polar, at codon 885 of the TSC2 protein (p.Ile885Met). This variant is not present in population databases (gnomAD no frequency). This variant has not been reported in the literature in individuals affected with TSC2-related conditions. ClinVar contains an entry for this variant (Variation ID: 959178). Invitae Evidence Modeling of protein sequence and biophysical properties (such as structural, functional, and spatial information, amino acid conservation, physicochemical variation, residue mobility, and thermodynamic stability) indicates that this missense variant is not expected to disrupt TSC2 protein function with a negative predictive value of 95%. Algorithms developed to predict the effect of sequence changes on RNA splicing suggest that this variant may disrupt the consensus splice site. In summary, the available evidence is currently insufficient to determine the role of this variant in disease. Therefore, it has been classified as a Variant of Uncertain Significance.

All of Us Research Program, National Institutes of Health
Classification: Uncertain significance for Tuberous sclerosis syndrome. Last evaluated: 2023-10-12. Review status: criteria provided, single submitter. Criteria: ACMG Guidelines, 2015. Collection method: clinical testing. Allele origin: germline. Inheritance: Autosomal dominant inheritance. Observed: 1 variant allele, 1 heterozygote.
Comment: This missense variant replaces isoleucine with methionine at codon 885 of the TSC2 protein. Computational prediction is inconclusive regarding the impact of this variant on protein structure and function (internally defined REVEL score threshold 0.5 < inconclusive < 0.7, PMID: 27666373). To our knowledge, functional studies have not been reported for this variant. This variant has not been reported in individuals affected with TSC2-related disorders in the literature. This variant has not been identified in the general population by the Genome Aggregation Database (gnomAD). The available evidence is insufficient to determine the role of this variant in disease conclusively. Therefore, this variant is classified as a Variant of Uncertain Significance.

This study involves interpretation of variants in research participants for the purpose of population health screening. Participant phenotype was not available at the time of variant classification. Additional details can be found in publication PMID: 35346344, PMCID: PMC8962531

NM_000548.5(TSC2):c.2655C>G (p.Ile885Met)

Gene: TSC2 (TSC complex subunit 2; plus strand). Cytogenetic location: 16p13.3.
Variant type: single nucleotide variant.
Coding change: c.2655C>G on transcript NM_000548.5 (MANE Select); coding-DNA position 2655, C replaced by G.
Protein change: p.Ile885Met; replaces isoleucine 885 with methionine.
Molecular consequence: missense variant.
Genome position (GRCh38, 1-based): chr16:2,076,083, C>G. VCF-style: chr16-2076083-C-G. GRCh37 (hg19) VCF-style: chr16-2126084-C-G.
Other names: c.2655C>G, p.Ile885Met (NM_001077183.3, NM_001114382.3, NM_001363528.2 and 3 more transcripts); c.2544C>G, p.Ile848Met (NM_001318827.2); c.2508C>G, p.Ile836Met (NM_001318829.2); c.2055C>G, p.Ile685Met (NM_001318831.2); c.2688C>G, p.Ile896Met (NM_001318832.2); short protein forms I848M, I685M, I836M, I885M, I896M.
Identifiers: ClinVar variation 959178 (VCV000959178.10), dbSNP rs1060504116, ClinGen allele CA394279216.
Genomic context (GRCh38, chr16:2,076,083, plus strand): 5'-TTTCCCTGCTGCCAGGATGGAGTGCCAGCCCCCTTCTCATCTCAGGTTTAATCAGTACAT[C>G]GTGTGTCTGGCCCATCACGTCATAGCCATGTGGTTCATCAGGTGCCGCCTGCCCTTCCGG-3'
Protein context (NP_000539.2, residues 875-895): YTNPSKFNQY[Ile885Met]VCLAHHVIAM